The following is an entry in ClinVar:

NM_002382.5(MAX):c.172-6151A>G

Gene: MAX (MYC associated transcriptional regulator X; minus strand). Cytogenetic location: 14q23.3.
Variant type: single nucleotide variant.
Coding change: c.172-6151A>G on transcript NM_002382.5 (MANE Select); 6151 bases into the intron before coding-DNA position 172, A replaced by G.
Molecular consequence: intron variant. On other transcripts: missense variant (3), 3 prime UTR variant (1), non-coding transcript variant (4).
Genome position (GRCh38, 1-based): chr14:65,084,187, T>C on the plus strand (A>G on the coding strand, the complement: MAX is on the minus strand). VCF-style: chr14-65084187-T-C. GRCh37 (hg19) VCF-style: chr14-65550905-T-C.
Other names: c.284A>G (NM_145114.1); c.257A>G, p.Lys86Arg (NM_001271068.2, NM_001407113.1); c.*58A>G (NM_001407114.1); c.284A>G, p.Lys95Arg (NM_145114.3); c.144+9521A>G (NM_001271069.2); c.171+9521A>G (NM_197957.4); c.-196-6151A>G (NM_001407112.1, NM_001407111.1); c.-103-6151A>G (NM_001407106.1, NM_001407107.1, NM_001320415.2 and 1 more transcripts); and 3 more; short protein forms K86R, K95R.
Identifiers: ClinVar variation 3052104 (VCV003052104.4), dbSNP rs141396269, ClinGen allele CA7232927.
Genomic context (GRCh38, chr14:65,084,187, plus strand): 5'-TTAATTAAAGCCAGGAGTAAGACATTTGTGTAAGGGGTCAAAACAATCATTTTTTAAATC[T>C]TGCATTCTTTTTTCTTGTGCACTTGGTAGCTTGAAATGAAGGTGTGGCATTTCTGCATCA-3'

ClinVar aggregate classification (germline): Likely benign. Review status: criteria provided, multiple submitters, no conflicts (2 of 4 stars). 2 submissions from 2 submitters: Likely benign (2). Last evaluated 2026-07-01.

Conditions:
Hereditary cancer-predisposing syndrome. Also called: Tumor predisposition; Hereditary Cancer Syndrome; Neoplastic Syndromes, Hereditary; Hereditary neoplastic syndrome. Identifiers: Orphanet 140162, MedGen C0027672, MeSH D009386, MONDO:0015356.
MAX-related disorder. Also called: MAX-related condition.

Allele frequency attached by ClinVar (database versions not stated): ExAC 0.00011; gnomAD exomes 0.00015; TOPMed 0.00016; ESP Exome Variant Server 0.00015; gnomAD 0.00013.
gnomAD v4.1: 240 of 1,613,902 alleles (0.015%); highest among the groups gnomAD compares: Middle Eastern, 0.049%; 1 homozygote.

Submissions (2):

Ambry Genetics
Classification: Likely benign for Hereditary cancer-predisposing syndrome. Last evaluated: 2026-07-01. Review status: criteria provided, single submitter. Criteria: Ambry Variant Classification Scheme 2023. Collection method: clinical testing. Allele origin: germline.

PreventionGenetics, part of Exact Sciences
Classification: Likely benign for MAX-related condition. Last evaluated: 2025-01-29. Review status: criteria provided, single submitter. Criteria: ACMG Guidelines, 2015. Collection method: clinical testing. Allele origin: germline.
Comment: This variant is classified as likely benign based on ACMG/AMP sequence variant interpretation guidelines (Richards et al. 2015 PMID: 25741868, with internal and published modifications).